The following is an entry in ClinVar:

NM_015202.5(KATNIP):c.1113+10G>T

Gene: KATNIP (katanin interacting protein; plus strand). Cytogenetic location: 16p12.1.
Variant type: single nucleotide variant.
Coding change: c.1113+10G>T on transcript NM_015202.5 (MANE Select); 10 bases into the intron after coding-DNA position 1113, G replaced by T.
Molecular consequence: intron variant.
Genome position (GRCh38, 1-based): chr16:27,698,510, G>T. VCF-style: chr16-27698510-G-T. GRCh37 (hg19) VCF-style: chr16-27709831-G-T.
Other names: c.1113+10G>T (NM_015202.3).
Identifiers: ClinVar variation 715680 (VCV000715680.12), dbSNP rs376063239, ClinGen allele CA7977574.

ClinVar aggregate classification (germline): Benign/Likely benign. Review status: criteria provided, multiple submitters, no conflicts (2 of 4 stars). 4 submissions from 4 submitters: Benign (1); Likely benign (2). 1 of the submissions does not count toward it. Last evaluated 2025-05-18.

Conditions:
KATNIP-related disorder. Also called: KATNIP-related condition.

Allele frequency attached by ClinVar (database versions not stated): 1000 Genomes Project 30x 0.00078; 1000 Genomes Project 0.00080; TOPMed 0.00122; ESP Exome Variant Server 0.00193.
gnomAD v4.1: 301 of 1,596,152 alleles (0.019%); highest among the groups gnomAD compares: African/African-American, 0.34%; no homozygotes.

Submissions (4):

Labcorp Genetics (formerly Invitae), Labcorp
Classification: Benign. Last evaluated: 2025-05-18. Review status: criteria provided, single submitter. Criteria: Invitae Variant Classification Sherloc (09022015). Collection method: clinical testing. Allele origin: germline.

Blueprint Genetics
Classification: Likely benign. Last evaluated: 2024-05-27. Review status: criteria provided, single submitter. Criteria: ACMG Guidelines, 2015. Collection method: clinical testing. Allele origin: germline.

Breakthrough Genomics
Classification: Likely benign. Review status: criteria provided, single submitter. Criteria: ACMG Guidelines, 2015. Collection method: not provided. Allele origin: germline. Inheritance: Autosomal recessive inheritance. Affected: yes.

PreventionGenetics, part of Exact Sciences
Classification: Likely benign for KATNIP-related condition. Last evaluated: 2019-04-30. Review status: no assertion criteria provided. Collection method: clinical testing. Allele origin: germline. Not counted in ClinVar's aggregate classification.
Comment: This variant is classified as likely benign based on ACMG/AMP sequence variant interpretation guidelines (Richards et al. 2015 PMID: 25741868, with internal and published modifications).